The following is an entry in ClinVar:

ClinVar aggregate classification (germline): Pathogenic/Likely pathogenic. Review status: criteria provided, multiple submitters, no conflicts (2 of 4 stars). 2 submissions from 2 submitters: Pathogenic (1); Likely pathogenic (1). Last evaluated 2025-09-30.

Conditions:
PAX3-related disorder. Also called: PAX3-related condition.

Submissions (2):

PreventionGenetics, part of Exact Sciences
Classification: Likely pathogenic for PAX3-related condition. Last evaluated: 2025-09-30. Review status: criteria provided, single submitter. Criteria: ACMG Guidelines, 2015. Collection method: clinical testing. Allele origin: germline.
Comment: The PAX3 c.117C>G variant is predicted to result in the amino acid substitution p.Asn39Lys. To our knowledge, this variant has not been reported in the literature or in a large population database (gnomAD), indicating this variant is rare. One alternative nucleotide substitution (c.117C>A) resulting in the same amino acid substitution and one alternative amino acid substitution (p.Asn39Tyr) have been reported in patients with Waardenburg syndrome (Pingault et al. 2010. PubMed ID: 20127975; Li et al. 2019. PubMed ID: 30936914; Niu et al. 2020. PubMed ID: 32940795). This variant is interpreted as likely pathogenic.

Blueprint Genetics
Classification: Pathogenic for PAX3-related disorders. Last evaluated: 2023-08-30. Review status: criteria provided, single submitter. Criteria: ACMG Guidelines, 2015. Collection method: clinical testing. Allele origin: germline. Affected: yes. Observed: 2 variant alleles.

NM_181458.4(PAX3):c.117C>G (p.Asn39Lys)

Gene: PAX3 (paired box 3; minus strand). Cytogenetic location: 2q36.1.
Variant type: single nucleotide variant.
Coding change: c.117C>G on transcript NM_181458.4 (MANE Select); coding-DNA position 117, C replaced by G.
Protein change: p.Asn39Lys; replaces asparagine 39 with lysine.
Molecular consequence: missense variant.
Genome position (GRCh38, 1-based): chr2:222,297,182, G>C on the plus strand (C>G on the coding strand, the complement: PAX3 is on the minus strand). VCF-style: chr2-222297182-G-C. GRCh37 (hg19) VCF-style: chr2-223161901-G-C.
Other names: c.117C>G, p.Asn39Lys (NM_000438.6, NM_001127366.3, NM_013942.5 and 4 more transcripts); c.117C>G (NM_181457.3); short protein forms N39K.
Identifiers: ClinVar variation 4960174 (VCV004960174.2).